The following is an entry in ClinVar:

ClinVar aggregate classification (germline): Likely benign (0 of 4 stars; one submission).

Conditions:
PEAK1-related disorder. Also called: PEAK1-related condition.

Allele frequency attached by ClinVar (database versions not stated): ExAC 0.00002; gnomAD 0.00004; TOPMed 0.00006; gnomAD exomes 0.00010.
gnomAD v4.1: 147 of 1,613,954 alleles (0.0091%); highest among the groups gnomAD compares: Non-Finnish European, 0.012%; no homozygotes.

Submission:

PreventionGenetics, part of Exact Sciences
Classification: Likely benign for PEAK1-related condition. Last evaluated: 2019-07-23. Review status: no assertion criteria provided. Collection method: clinical testing. Allele origin: germline.
Comment: This variant is classified as likely benign based on ACMG/AMP sequence variant interpretation guidelines (Richards et al. 2015 PMID: 25741868, with internal and published modifications).

NM_001385026.1(PEAK1):c.2631T>C (p.Ser877=)

Gene: PEAK1 (pseudopodium enriched atypical kinase 1; minus strand). Cytogenetic location: 15q24.3.
Variant type: single nucleotide variant.
Coding change: c.2631T>C on transcript NM_001385026.1 (MANE Select); coding-DNA position 2631, T replaced by C.
Protein change: p.Ser877=; no amino-acid change (serine 877 retained).
Molecular consequence: synonymous variant.
Genome position (GRCh38, 1-based): chr15:77,179,296, A>G on the plus strand (T>C on the coding strand, the complement: PEAK1 is on the minus strand). VCF-style: chr15-77179296-A-G. GRCh37 (hg19) VCF-style: chr15-77471638-A-G.
Other names: c.2631T>C, p.Ser877= (NM_001385027.1, NM_001387085.1, NM_001387086.1 and 1 more transcripts).
Identifiers: ClinVar variation 3050598 (VCV003050598.2), dbSNP rs201095207, ClinGen allele CA7676964.